The following is an entry in ClinVar:

ClinVar aggregate classification (germline): Pathogenic/Likely pathogenic. Review status: criteria provided, multiple submitters, no conflicts (2 of 4 stars). 74 submissions from 70 submitters: Pathogenic (60); Likely pathogenic (3). 11 of the submissions do not count toward it. Last evaluated 2026-04-01.

Conditions:
Fetal anomalies with a likely genetic cause.
Non-Fanconi anemia cytopenia.
SBDS-related disorder. Also called: SBDS-related condition.
Shwachman syndrome. Also called: PANCREATIC INSUFFICIENCY AND BONE MARROW DYSFUNCTION; SHWACHMAN-BODIAN SYNDROME; Shwachman-Diamond Syndrome. Identifiers: Orphanet 811, MedGen C0272170, MONDO:0009833.
Aplastic anemia. Identifiers: Orphanet 182040, Orphanet 88, MedGen C0002874, MONDO:0015909, OMIM 609135, HP:0001915.
Shwachman-Diamond syndrome 1 (SDS1). Also called: LIPOMATOSIS OF PANCREAS, CONGENITAL. Identifiers: MedGen C4692625, MONDO:0044204, OMIM 260400.
Chondrodysplasia. Identifiers: MedGen C0343284, MONDO:0022723.
Inborn genetic diseases. Identifiers: MedGen C0950123, MeSH D030342.
Aplastic anemia, susceptibility to. Identifiers: MedGen C2684859, MONDO:0800414.
Agenesis of permanent teeth. Also called: Anodontia of permanent dentition. Identifiers: MedGen C1290511, OMIM 206780, HP:0006349.
Deeply set eye. Also called: Deep-set eyes; sunken eyes. Identifiers: MedGen C0423224, HP:0000490.
Microcephaly. Also called: Microcephaly (disease). Identifiers: MedGen C4551563, MONDO:0001149, HP:0000252.
Splenomegaly. Also called: Enlarged Spleen. Identifiers: MedGen C0038002, HP:0001744.
Short stature. Identifiers: MedGen C0349588, HP:0004322.
Intellectual disability. Also called: Intellectual functioning disability; intellectual disabilities; Intellectual developmental disorder. Identifiers: MedGen C3714756, MeSH D008607, MONDO:0001071, HP:0001249.

Allele frequency attached by ClinVar (database versions not stated): 1000 Genomes Project 0.00160; TOPMed 0.00301; gnomAD 0.00323 and 0.00337; ExAC 0.00395; 1000 Genomes Project 30x 0.00203.
gnomAD v4.1: 5,853 of 1,611,298 alleles (0.36%); highest among the groups gnomAD compares: East Asian, 0.4%; 10 homozygotes.

Submissions 1 to 12 of 95:

CeGaT Center for Human Genetics Tuebingen
Classification: Pathogenic. Last evaluated: 2026-04-01. Review status: criteria provided, single submitter. Criteria: CeGaT Center For Human Genetics Tuebingen Variant Classification Criteria Version 2. Collection method: clinical testing. Allele origin: germline. Affected: yes. Observed: 17 variant alleles.
Comment: SBDS: PM3:Very Strong, PVS1, PM2:Supporting

Genetics laboratory, Institute of Kidney Diseases & Research Centre Dr. H.L. Trivedi Institute Of Transplantation Sciences
Classification: Pathogenic for Shwachman-Diamond syndrome 1. Last evaluated: 2026-03-18. Review status: criteria provided, single submitter. Criteria: ACMG Guidelines, 2015. Collection method: clinical testing. Allele origin: germline. Inheritance: Autosomal recessive inheritance. Affected: yes. Observed: 1 variant allele, 1 homozygote.
Comment: A homozygous canonical splice-site variant, c.258+2T>C, was identified in the SBDS gene. The variant affects the invariant +2 position of the splice donor site and is predicted to result in abnormal pre-mRNA splicing and loss of normal SBDS protein function. Functional studies have demonstrated abnormal splicing and consequent deleterious effects on SBDS protein function. The homozygous state is consistent with the autosomal-recessive inheritance of SBDS-related Shwachman-Diamond syndrome. Based on the combined evidence, the variant is classified as Pathogenic according to ACMG/AMP guidelines.

North West Genomic Laboratory Hub, Manchester University NHS Foundation Trust
Classification: Pathogenic for Non-Fanconi anemia cytopenia. Last evaluated: 2026-03-12. Review status: criteria provided, single submitter. Criteria: ACGS Best Practice Guidelines for Variant Classification in Rare Disease 2024. Collection method: clinical testing. Allele origin: germline. Affected: yes.
Comment: PM3_VStr PVS1_VStr

Dasa
Classification: Pathogenic. Last evaluated: 2026-03-10. Review status: criteria provided, single submitter. Criteria: DASA Assertion Criteria. Collection method: clinical testing. Allele origin: germline.
Comment: NM_016038.4(SBDS):c.258+2T>C affects a canonical splice site and is predicted to disrupt normal RNA splicing, leading to loss of normal protein function. Loss-of-function is an established mechanism of disease for this gene. Functional evidence supports a deleterious effect on the gene or gene product (PMID: 21695142; PMID: 12496757; PMID: 27127007; PMID: 20301722; PMID: 15284109). This variant has been recurrently observed in individuals with related phenotype (PMID: 21695142; PMID: 12496757; PMID: 27127007; PMID: 20301722; PMID: 15284109). Segregation evidence has been reported in affected families. The variant is present at low frequency in population datasets. Based on the available data, this variant is classified as pathogenic.

Genetics Laboratory, Great Ormond Street Hospital NHS Foundation Trust, North Thames Genomic Laboratory Hub
Classification: Pathogenic for Fetal anomalies with a likely genetic cause. Last evaluated: 2026-02-18. Review status: criteria provided, single submitter. Criteria: ACGS Best Practice Guidelines for Variant Classification in Rare Disease 2024 v1.2. Collection method: clinical testing. Allele origin: germline. Affected: yes.
Comment: PS4_moderate, PVS1_very-strong

Mayo Clinic Laboratories, Mayo Clinic
Classification: Pathogenic. Last evaluated: 2025-12-08. Review status: criteria provided, single submitter. Criteria: ACMG Guidelines, 2015. Collection method: clinical testing. Allele origin: germline. Observed: 17 variant alleles.
Comment: PM1, PM3, PS3, PS4, PVS1

Laboratorio de Biologia Molecular/Medicina Genomica - IFF/Fiocruz, Instituto Fernandes Figueira, Fundacao Oswaldo Cruz
Classification: Pathogenic for Shwachman-Diamond syndrome 1. Last evaluated: 2025-07-11. Review status: criteria provided, single submitter. Criteria: ACMG Guidelines, 2015. Collection method: clinical testing. Allele origin: germline. Affected: yes. Observed: 1 variant allele.
Comment: Variant: c.258+2T>C in intron 2 of the SBDS gene. Zygosity and phenotype: Identified in affected individuals; detected in trans with a previously described pathogenic variant in multiple cases (PMID: 35322185). Protein effect: Predicted to disrupt mRNA processing due to loss of the splice donor site (spliceAI score: 0.93). Residue evidence: Another pathogenic variant affecting the same splice donor site has been reported in individuals with Shwachman-Diamond syndrome (Accession: VCV000021538.19). Population/literature data: Absent in population databases (gnomAD). ACMG/AMP criteria applied: PVS1, PM3_Very Strong, PS1_Supporting, following ClinGen SVI recommendations.

Immunogenetics and Transplant Biology Service, University Hospital "Città della Salute e della Scienza di Torino"
Classification: Pathogenic for Shwachman-Diamond syndrome 1. Last evaluated: 2025-06-28. Review status: criteria provided, single submitter. Criteria: ACMG Guidelines, 2015. Collection method: clinical testing. Allele origin: germline. Affected: yes.

3billion
Classification: Pathogenic for Shwachman-Diamond syndrome 1. Last evaluated: 2025-06-10. Review status: criteria provided, single submitter. Criteria: ACMG Guidelines, 2015. Collection method: clinical testing. Allele origin: germline. Affected: yes.
Comment: The variant is observed at an extremely low frequency in the gnomAD v4.1.0 dataset (total allele frequency: 0.363%). Predicted Consequence/Location: Canonical splice site: predicted to alter splicing and result in a loss or disruption of normal protein function. Multiple pathogenic loss-of-function variants are reported downstream of the variant. Functional studies provide strong evidence of the variant having a damaging effect on the gene or gene product (PMID: 21695142). The variant has been reported to be in trans with a pathogenic variant as either compound heterozygous or homozygous in at least one similarly affected unrelated individual (3billion dataset). The variant has been reported at least twice as pathogenic with clinical assertions and evidence for the classification (ClinVar ID: VCV000003196 /PMID: 12496757 /3billion dataset). Therefore, this variant is classified as Pathogenic according to the recommendation of ACMG/AMP guideline.

Genetic Services Laboratory, University of Chicago
Classification: Pathogenic. Last evaluated: 2025-05-14. Review status: criteria provided, single submitter. Criteria: ACMG Guidelines, 2015. Collection method: clinical testing. Allele origin: germline.
Comment: DNA sequence analysis of the SBDS gene demonstrated a sequence change in the canonical splice donor site of intron 2, c.258+2T>C. This pathogenic sequence change has previously been described in individuals with Shwachman-Diamond syndrome in the homozygous or compound heterozygous state with other pathogenic changes [PMID: 12496757, 27127007, 21695142,15284109, 15942154]. This sequence change was also identified in 4 individuals in the heterozygous state with apparently acquired aplastic anemia and short telomeres in granulocytes [PMID: 17478638]; however further studies with larger populations are required to establish the association. Functional studies have shown that this sequence change results in stably expressed truncated SBDS protein with impaired function and altered subcellular localization [PMID: 21695142, 15860664]. These collective evidences indicate that this sequence change is pathogenic.

Revvity Omics, Revvity
Classification: Pathogenic for Shwachman-Diamond syndrome 1. Last evaluated: 2025-04-14. Review status: criteria provided, single submitter. Criteria: ACMG Guidelines, 2015. Collection method: clinical testing. Allele origin: germline.

First Genomix Gene Laboratory, Genetic Diagnostics Department
Classification: Pathogenic for Shwachman-Diamond syndrome 1. Last evaluated: 2025-03-25. Review status: criteria provided, single submitter. Criteria: ACMG Guidelines, 2015. Collection method: clinical testing. Allele origin: germline. Inheritance: Autosomal recessive inheritance. Affected: no. Observed: 1 variant allele.

NM_016038.4(SBDS):c.258+2T>C

Gene: SBDS (SBDS ribosome maturation factor; minus strand). Cytogenetic location: 7q11.21.
Variant type: single nucleotide variant.
Coding change: c.258+2T>C on transcript NM_016038.4 (MANE Select); the canonical splice donor site of the intron after coding-DNA position 258, T replaced by C.
Molecular consequence: splice donor variant.
Genome position (GRCh38, 1-based): chr7:66,994,210, A>G on the plus strand (T>C on the coding strand, the complement: SBDS is on the minus strand). VCF-style: chr7-66994210-A-G. GRCh37 (hg19) VCF-style: chr7-66459197-A-G.
Other names: c.258+2T>C; IVS2DS, T-C, +2; c.[258+2T>C] (NM_016038.2); c.258+2T>C (NM_016038.3).
Identifiers: ClinVar variation 3196 (VCV000003196.144), dbSNP rs113993993, ClinGen allele CA116053.